The following is an entry in ClinVar:

ClinVar aggregate classification (germline): Benign. Review status: criteria provided, multiple submitters, no conflicts (2 of 4 stars). 4 submissions from 4 submitters: Benign (3). 1 of the submissions does not count toward it. Last evaluated 2026-02-01.

Conditions:
FBN3-related disorder. Also called: FBN3-related condition.

Allele frequency attached by ClinVar (database versions not stated): gnomAD exomes 0.07652 and 0.06821; gnomAD 0.10075 and 0.10153; 1000 Genomes Project 0.13778; ExAC 0.07811; ESP Exome Variant Server 0.09895; TOPMed 0.10915; 1000 Genomes Project 30x 0.13710.
gnomAD v4.1: 115,403 of 1,614,004 alleles (7.2%); highest among the groups gnomAD compares: East Asian, 24%; 5,623 homozygotes.

Submissions (4):

Labcorp Genetics (formerly Invitae), Labcorp
Classification: Benign. Last evaluated: 2026-02-01. Review status: criteria provided, single submitter. Criteria: Invitae Variant Classification Sherloc (09022015). Collection method: clinical testing. Allele origin: germline.

GeneDx
Classification: Benign. Last evaluated: 2020-09-14. Review status: criteria provided, single submitter. Criteria: GeneDx Variant Classification Process June 2021. Collection method: clinical testing. Allele origin: germline. Affected: yes.

Breakthrough Genomics
Classification: Benign. Review status: criteria provided, single submitter. Criteria: ACMG Guidelines, 2015. Collection method: not provided. Allele origin: germline. Inheritance: Unknown mechanism. Affected: yes.

PreventionGenetics, part of Exact Sciences
Classification: Benign for FBN3-related condition. Last evaluated: 2019-10-22. Review status: no assertion criteria provided. Collection method: clinical testing. Allele origin: germline. Not counted in ClinVar's aggregate classification.
Comment: This variant is classified as benign based on ACMG/AMP sequence variant interpretation guidelines (Richards et al. 2015 PMID: 25741868, with internal and published modifications).

NM_032447.5(FBN3):c.1929C>T (p.Cys643=)

Gene: FBN3 (fibrillin 3; minus strand). Cytogenetic location: 19p13.2.
Variant type: single nucleotide variant.
Coding change: c.1929C>T on transcript NM_032447.5 (MANE Select); coding-DNA position 1929, C replaced by T.
Protein change: p.Cys643=; no amino-acid change (cysteine 643 retained).
Molecular consequence: synonymous variant.
Genome position (GRCh38, 1-based): chr19:8,131,615, G>A on the plus strand (C>T on the coding strand, the complement: FBN3 is on the minus strand). VCF-style: chr19-8131615-G-A. GRCh37 (hg19) VCF-style: chr19-8196499-G-A.
Other names: c.1929C>T (NM_001321431.1); c.1929C>T, p.Cys643= (NM_001321431.2).
Identifiers: ClinVar variation 1288401 (VCV001288401.12), dbSNP rs3813774, ClinGen allele CA9153113.
Genomic context (GRCh38, chr19:8,131,615, plus strand): 5'-GGAGTCTTTGGCAGGACAAAGCTGGCAGGGCTCCCCAAAACCGTGGTCCGGATTGGCACA[G>A]CAGCACTCGGACTTGGTGACAGTGCCAGGGAAGGGGCGGGCACAGGAGCCCTTCTCGATG-3'
Protein context (NP_115823.3, residues 633-653): FPGTVTKSEC[Cys643=]CANPDHGFGE